The following is an entry in ClinVar:

NM_000179.3(MSH6):c.16A>C (p.Thr6Pro)

Gene: MSH6 (mutS homolog 6; plus strand). Cytogenetic location: 2p16.3.
Variant type: single nucleotide variant.
Coding change: c.16A>C on transcript NM_000179.3 (MANE Select); coding-DNA position 16, A replaced by C.
Protein change: p.Thr6Pro; replaces threonine 6 with proline.
Molecular consequence: missense variant. On other transcripts: 5 prime UTR variant (1).
Genome position (GRCh38, 1-based): chr2:47,783,249, A>C. VCF-style: chr2-47783249-A-C. GRCh37 (hg19) VCF-style: chr2-48010388-A-C.
Other names: c.16A>C, p.Thr6Pro (NM_001281492.2); c.-721A>C (NM_001281493.2); short protein forms T6P.
Identifiers: ClinVar variation 428380 (VCV000428380.32), dbSNP rs200944853, ClinGen allele CA068021.

ClinVar aggregate classification (germline): Conflicting classifications of pathogenicity. Review status: criteria provided, conflicting classifications (1 of 4 stars). 8 submissions from 8 submitters: Uncertain significance (6); Benign (1). 1 of the submissions does not count toward it. Last evaluated 2026-01-13.

Conditions:
MSH6-related disorder. Also called: MSH6-related condition; MSH6-Related disorders.
Lynch syndrome. Identifiers: Orphanet 144, MedGen C4552100, MONDO:0005835. Disease mechanism: loss of function.
Hereditary cancer-predisposing syndrome. Also called: Hereditary Cancer Syndrome; Neoplastic Syndromes, Hereditary; Hereditary neoplastic syndrome; Tumor predisposition. Identifiers: Orphanet 140162, MedGen C0027672, MeSH D009386, MONDO:0015356.
Hereditary nonpolyposis colorectal neoplasms. Identifiers: MedGen C0009405, MeSH D003123.
Endometrial carcinoma. Also called: Endometrial carcinoma, somatic. Identifiers: MedGen C0476089, MONDO:0002447, OMIM 608089, HP:0012114.

Allele frequency attached by ClinVar (database versions not stated): gnomAD exomes below 0.00001; ExAC 0.00001; gnomAD 0.00005; TOPMed 0.00006.
gnomAD v4.1: 9 of 1,611,690 alleles (0.00056%); highest among the groups gnomAD compares: African/African-American, 0.0094%; no homozygotes.

Submissions (8):

Labcorp Genetics (formerly Invitae), Labcorp
Classification: Benign for Hereditary nonpolyposis colorectal neoplasms. Last evaluated: 2026-01-13. Review status: criteria provided, single submitter. Criteria: Invitae Variant Classification Sherloc (09022015). Collection method: clinical testing. Allele origin: germline.

Quest Diagnostics Nichols Institute San Juan Capistrano
Classification: Uncertain significance. Last evaluated: 2025-06-17. Review status: criteria provided, single submitter. Criteria: Quest Diagnostics criteria. Collection method: clinical testing. Allele origin: unknown.
Comment: The MSH6 c.16A>C (p.Thr6Pro) variant has been reported in the published literature in individuals with high grade glioma (PMID: 26580448 (2015)) and kidney renal papillary cell carcinoma (PMID: 29684080 (2018)). The frequency of this variant in the general population (Genome Aggregation Database) is uninformative in the assessment of its pathogenicity. Analysis of this variant using bioinformatics tools for the prediction of the effect of amino acid changes on protein structure and function yielded conflicting predictions that this variant is benign or damaging. Based on the available information, we are unable to determine the clinical significance of this variant.

Ambry Genetics
Classification: Uncertain significance for Hereditary cancer-predisposing syndrome. Last evaluated: 2025-03-02. Review status: criteria provided, single submitter. Criteria: Ambry Variant Classification Scheme 2023. Collection method: clinical testing. Allele origin: germline.
Comment: The p.T6P variant (also known as c.16A>C), located in coding exon 1 of the MSH6 gene, results from an A to C substitution at nucleotide position 16. The threonine at codon 6 is replaced by proline, an amino acid with highly similar properties. This variant has been reported in 1/1120 pediatric cancer patients who underwent whole genome sequencing and/or whole exome sequencing; this patient was diagnosed with high grade glioma (Zhang J et al. N. Engl. J. Med., 2015 Dec;373:2336-2346). In a study of whole-exome sequencing in patients with features of Cowden syndrome (CS) or Bannayan-Riley-Ruvalcaba syndrome (BRRS) and negative PTEN testing, this alteration was identified in 0/87 patients with CS or BRRS and 1/3476 patients from The Cancer Genome Atlas (TCGA) (Yehia L et al. PLoS Genet., 2018 04;14:e1007352). This amino acid position is well conserved in available vertebrate species. In addition, the in silico prediction for this alteration is inconclusive. Since supporting evidence is limited at this time, the clinical significance of this alteration remains unclear.

Color Diagnostics, LLC DBA Color Health
Classification: Uncertain significance for Hereditary cancer-predisposing syndrome. Last evaluated: 2024-12-23. Review status: criteria provided, single submitter. Criteria: ACMG Guidelines, 2015. Collection method: clinical testing. Allele origin: germline.
Comment: This missense variant replaces threonine with proline at codon 6 of the MSH6 protein. Computational prediction is inconclusive regarding the impact of this variant on protein structure and function (internally defined REVEL score threshold 0.5 < inconclusive < 0.7, PMID: 27666373). To our knowledge, functional studies have not been reported for this variant. This variant has been reported in individuals with glioma (PMID: 26580448) and unspecified cancer (PMID: 29684080). This variant has been identified in 9/1611690 chromosomes in the general population by the Genome Aggregation Database (gnomAD). The available evidence is insufficient to determine the role of this variant in disease conclusively. Therefore, this variant is classified as a Variant of Uncertain Significance.

All of Us Research Program, National Institutes of Health
Classification: Uncertain significance for Lynch syndrome. Last evaluated: 2024-06-11. Review status: criteria provided, single submitter. Criteria: ACMG Guidelines, 2015. Collection method: clinical testing. Allele origin: germline. Inheritance: Autosomal dominant inheritance. Observed: 4 variant alleles, 4 heterozygotes.
Comment: This missense variant replaces threonine with proline at codon 6 of the MSH6 protein. Computational prediction tool is inconclusive regarding the impact of this variant on protein structure and function (internally defined REVEL score threshold 0.5 < inconclusive < 0.7, PMID: 27666373). Splice site prediction tools suggest that this variant may not impact RNA splicing. To our knowledge, functional studies have not been performed for this variant. This variant has not been reported in individuals affected with hereditary cancer in the literature. This variant has been identified in 2/276232 chromosomes in the general population by the Genome Aggregation Database (gnomAD). The available evidence is insufficient to determine the role of this variant in disease conclusively. Therefore, this variant is classified as a Variant of Uncertain Significance.

This study involves interpretation of variants in research participants for the purpose of population health screening. Participant phenotype was not available at the time of variant classification. Additional details can be found in publication PMID: 35346344, PMCID: PMC8962531

Baylor Genetics
Classification: Uncertain significance for Endometrial carcinoma. Last evaluated: 2023-12-24. Review status: criteria provided, single submitter. Criteria: ACMG Guidelines, 2015. Collection method: clinical testing. Allele origin: unknown.

GeneDx
Classification: Uncertain significance. Last evaluated: 2023-02-01. Review status: criteria provided, single submitter. Criteria: GeneDx Variant Classification Process June 2021. Collection method: clinical testing. Allele origin: germline. Affected: yes.
Comment: Not observed at significant frequency in large population cohorts (gnomAD); In silico analysis supports that this missense variant has a deleterious effect on protein structure/function; This variant is associated with the following publications: (PMID: 10612827, 29684080, 26580448, 12019211, 21120944)

PreventionGenetics, part of Exact Sciences
Classification: Uncertain significance for MSH6-related condition. Last evaluated: 2024-02-06. Review status: no assertion criteria provided. Collection method: clinical testing. Allele origin: germline. Not counted in ClinVar's aggregate classification.
Comment: The MSH6 c.16A>C variant is predicted to result in the amino acid substitution p.Thr6Pro. This variant has been reported in an individual with high grade glioma (Zhang et al. 2015. PubMed ID: 26580448, Table S4a, Case SJHGG073) and in at least one individual with Cowden syndrome or Bannayan-Riley-Ruvalcaba syndrome (Yehia et al. 2018. PubMed ID: 29684080, Table S9). This variant is reported in 0.0084% of alleles in individuals of African descent in gnomAD and is interpreted as uncertain in ClinVar. At this time, the clinical significance of this variant is uncertain due to the absence of conclusive functional and genetic evidence.

Literature cited by the submitters: PubMed 29684080 (cited by 3 submitters); PubMed 26580448 (cited by 3 submitters).